The following is an entry in ClinVar:

NM_004153.4(ORC1):c.1365G>A (p.Thr455=)

Gene: ORC1 (origin recognition complex subunit 1; minus strand). Cytogenetic location: 1p32.3.
Variant type: single nucleotide variant.
Coding change: c.1365G>A on transcript NM_004153.4 (MANE Select); coding-DNA position 1365, G replaced by A.
Protein change: p.Thr455=; no amino-acid change (threonine 455 retained).
Molecular consequence: synonymous variant.
Genome position (GRCh38, 1-based): chr1:52,388,460, C>T on the plus strand (G>A on the coding strand, the complement: ORC1 is on the minus strand). VCF-style: chr1-52388460-C-T. GRCh37 (hg19) VCF-style: chr1-52854132-C-T.
Other names: c.1365G>A, p.Thr455= (NM_001190818.2, NM_001190819.2).
Identifiers: ClinVar variation 739039 (VCV000739039.10), dbSNP rs372781874, ClinGen allele CA853365.

ClinVar aggregate classification (germline): Likely benign. Review status: criteria provided, multiple submitters, no conflicts (2 of 4 stars). 3 submissions from 3 submitters: Likely benign (3). Last evaluated 2026-07-01.

Allele frequency attached by ClinVar (database versions not stated): gnomAD 0.00014 and 0.00013; TOPMed 0.00014; gnomAD exomes 0.00029 and 0.00012; ESP Exome Variant Server 0.00008; ExAC 0.00013.
gnomAD v4.1: 434 of 1,613,922 alleles (0.027%); highest among the groups gnomAD compares: Non-Finnish European, 0.035%; no homozygotes.

Submissions (3):

CeGaT Center for Human Genetics Tuebingen
Classification: Likely benign. Last evaluated: 2026-07-01. Review status: criteria provided, single submitter. Criteria: CeGaT Center For Human Genetics Tuebingen Variant Classification Criteria Version 2. Collection method: clinical testing. Allele origin: germline. Affected: yes. Observed: 1 variant allele.
Comment: ORC1: BP4, BP7

Labcorp Genetics (formerly Invitae), Labcorp
Classification: Likely benign. Last evaluated: 2025-07-25. Review status: criteria provided, single submitter. Criteria: Invitae Variant Classification Sherloc (09022015). Collection method: clinical testing. Allele origin: germline.

Breakthrough Genomics
Classification: Likely benign. Review status: criteria provided, single submitter. Criteria: ACMG Guidelines, 2015. Collection method: not provided. Allele origin: germline. Inheritance: Autosomal recessive inheritance. Affected: yes.